The following is an entry in ClinVar:

ClinVar aggregate classification (germline): Uncertain significance. Review status: criteria provided, multiple submitters, no conflicts (2 of 4 stars). 2 submissions from 2 submitters: Uncertain significance (2). Last evaluated 2025-12-04.

Conditions:
Inborn genetic diseases. Identifiers: MedGen C0950123, MeSH D030342.

Allele frequency attached by ClinVar (database versions not stated): 1000 Genomes Project 30x 0.00016; 1000 Genomes Project 0.00020.
gnomAD v4.1: 3 of 1,613,886 alleles (0.00019%); highest among the groups gnomAD compares: Admixed American, 0.0033%; no homozygotes.

Submissions (2):

Ambry Genetics
Classification: Uncertain significance for Inborn genetic diseases. Last evaluated: 2025-12-04. Review status: criteria provided, single submitter. Criteria: Ambry Variant Classification Scheme 2023. Collection method: clinical testing. Allele origin: germline.

Labcorp Genetics (formerly Invitae), Labcorp
Classification: Uncertain significance. Last evaluated: 2025-11-01. Review status: criteria provided, single submitter. Criteria: Invitae Variant Classification Sherloc (09022015). Collection method: clinical testing. Allele origin: germline.
Comment: This sequence change replaces serine, which is neutral and polar, with leucine, which is neutral and non-polar, at codon 981 of the KCNH1 protein (p.Ser981Leu). This variant is not present in population databases (gnomAD no frequency). This variant has not been reported in the literature in individuals affected with KCNH1-related conditions. ClinVar contains an entry for this variant (Variation ID: 1391369). Invitae Evidence Modeling of protein sequence and biophysical properties (such as structural, functional, and spatial information, amino acid conservation, physicochemical variation, residue mobility, and thermodynamic stability) has been performed for this missense variant. However, the output from this modeling did not meet the statistical confidence thresholds required to predict the impact of this variant on KCNH1 protein function. In summary, the available evidence is currently insufficient to determine the role of this variant in disease. Therefore, it has been classified as a Variant of Uncertain Significance.

NM_172362.3(KCNH1):c.2942C>T (p.Ser981Leu)

Gene: KCNH1 (potassium voltage-gated channel subfamily H member 1; minus strand). Cytogenetic location: 1q32.2.
Variant type: single nucleotide variant.
Coding change: c.2942C>T on transcript NM_172362.3 (MANE Select); coding-DNA position 2942, C replaced by T.
Protein change: p.Ser981Leu; replaces serine 981 with leucine.
Molecular consequence: missense variant.
Genome position (GRCh38, 1-based): chr1:210,683,309, G>A on the plus strand (C>T on the coding strand, the complement: KCNH1 is on the minus strand). VCF-style: chr1-210683309-G-A. GRCh37 (hg19) VCF-style: chr1-210856651-G-A.
Other names: c.2861C>T, p.Ser954Leu (NM_002238.4); c.2942C>T (NM_172362.2); short protein forms S981L, S954L.
Identifiers: ClinVar variation 1391369 (VCV001391369.9), dbSNP rs145248227, ClinGen allele CA1379558.